The following is an entry in ClinVar:

ClinVar aggregate classification (germline): Likely benign (1 of 4 stars; one submission).

Allele frequency attached by ClinVar (database versions not stated): TOPMed 0.00002; gnomAD 0.00003; gnomAD exomes 0.00003; ExAC 0.00007.
gnomAD v4.1: 47 of 1,613,644 alleles (0.0029%); highest among the groups gnomAD compares: Non-Finnish European, 0.0036%; no homozygotes.

Submission:

CeGaT Center for Human Genetics Tuebingen
Classification: Likely benign. Last evaluated: 2022-03-01. Review status: criteria provided, single submitter. Criteria: CeGaT Center For Human Genetics Tuebingen Variant Classification Criteria Version 2. Collection method: clinical testing. Allele origin: germline. Affected: yes. Observed: 1 variant allele.
Comment: LAG3: BP4, BP7

NM_002286.6(LAG3):c.1326A>G (p.Pro442=)

Gene: LAG3 (lymphocyte activating 3; plus strand). Cytogenetic location: 12p13.31.
Variant type: single nucleotide variant.
Coding change: c.1326A>G on transcript NM_002286.6 (MANE Select); coding-DNA position 1326, A replaced by G.
Protein change: p.Pro442=; no amino-acid change (proline 442 retained).
Molecular consequence: synonymous variant.
Genome position (GRCh38, 1-based): chr12:6,777,816, A>G. VCF-style: chr12-6777816-A-G. GRCh37 (hg19) VCF-style: chr12-6886982-A-G.
Other names: c.1326A>G, p.Pro442= (NM_001414176.1); c.1083A>G, p.Pro361= (NM_001414177.1).
Identifiers: ClinVar variation 2642635 (VCV002642635.24), dbSNP rs774849987, ClinGen allele CA6415522.